The following is an entry in ClinVar:

ClinVar aggregate classification (germline): Uncertain significance (1 of 4 stars; one submission).

gnomAD v4.1: 1 of 1,613,894 alleles (0.000062%); highest among the groups gnomAD compares: Non-Finnish European, 0.000085%; no homozygotes.

Submission:

Labcorp Genetics (formerly Invitae), Labcorp
Classification: Uncertain significance. Last evaluated: 2024-04-11. Review status: criteria provided, single submitter. Criteria: Invitae Variant Classification Sherloc (09022015). Collection method: clinical testing. Allele origin: germline.
Comment: This sequence change replaces proline, which is neutral and non-polar, with serine, which is neutral and polar, at codon 82 of the TAF6 protein (p.Pro82Ser). This variant is not present in population databases (gnomAD no frequency). This variant has not been reported in the literature in individuals affected with TAF6-related conditions. An algorithm developed to predict the effect of missense changes on protein structure and function (PolyPhen-2) suggests that this variant is likely to be tolerated. In summary, the available evidence is currently insufficient to determine the role of this variant in disease. Therefore, it has been classified as a Variant of Uncertain Significance.

NM_139315.3(TAF6):c.244C>T (p.Pro82Ser)

Gene: TAF6 (TATA-box binding protein associated factor 6; minus strand). Cytogenetic location: 7q22.1.
Variant type: single nucleotide variant.
Coding change: c.244C>T on transcript NM_139315.3 (MANE Select); coding-DNA position 244, C replaced by T.
Protein change: p.Pro82Ser; replaces proline 82 with serine.
Molecular consequence: missense variant. On other transcripts: non-coding transcript variant (1).
Genome position (GRCh38, 1-based): chr7:100,113,769, G>A on the plus strand (C>T on the coding strand, the complement: TAF6 is on the minus strand). VCF-style: chr7-100113769-G-A. GRCh37 (hg19) VCF-style: chr7-99711392-G-A.
Other names: c.355C>T, p.Pro119Ser (NM_001190415.2); c.244C>T, p.Pro82Ser (NM_001364998.1, NM_001364999.1, NM_005641.4); c.214C>T, p.Pro72Ser (NM_001365000.1, NM_001365001.1, NM_001365002.1 and 1 more transcripts); c.382C>T, p.Pro128Ser (NM_001365004.1); short protein forms P72S, P128S, P82S, P119S.
Identifiers: ClinVar variation 3670257 (VCV003670257.2).
Genomic context (GRCh38, chr7:100,113,769, plus strand): 5'-GGCCCCCACCAGAGGCGAAGCGGAAAGGAATGAACTCCTGGGCGTGGAAGCCATAGAGTG[G>A]CTGTGGCAGGAGAGAGGGGCATGGGTAAGAAGGGAGCCGGAGGAGACCTGGCTGAAGGAT-3'
Protein context (NP_647476.1, residues 72-92): DYALKLKNVE[Pro82Ser]LYGFHAQEFI